The following is an entry in ClinVar:

ClinVar aggregate classification (germline): Pathogenic (1 of 4 stars; one submission).

Submission:

Labcorp Genetics (formerly Invitae), Labcorp
Classification: Pathogenic. Last evaluated: 2023-12-18. Review status: criteria provided, single submitter. Criteria: Invitae Variant Classification Sherloc (09022015). Collection method: clinical testing. Allele origin: unknown.
Comment: This variant is a gross deletion of the genomic region encompassing exon(s) 11 of the DZIP1L gene. This deletion is out-of-frame, and is expected to create a premature termination codon and result in an absent or disrupted protein product. Loss-of-function variants in DZIP1L are known to be pathogenic (PMID: 28530676). This variant has not been reported in the literature in individuals affected with DZIP1L-related conditions. For these reasons, this variant has been classified as Pathogenic.

Literature cited by the submitters: PubMed 28530676.

NC_000003.11:g.(?_137796321)_(137796494_?)del

Gene: DZIP1L (DAZ interacting zinc finger protein 1 like; minus strand). Cytogenetic location: 3q22.3.
Variant type: Deletion.
Identifiers: ClinVar variation 3247063 (VCV003247063.1).